The following is an entry in ClinVar:

ClinVar aggregate classification (germline): Uncertain significance (1 of 4 stars; one submission).

gnomAD v4.1: 1 of 1,555,022 alleles (0.000064%); highest among the groups gnomAD compares: Non-Finnish European, 0.000086%; no homozygotes.

Submission:

GeneDx
Classification: Uncertain significance. Last evaluated: 2024-08-01. Review status: criteria provided, single submitter. Criteria: GeneDx Variant Classification Process June 2021. Collection method: clinical testing. Allele origin: germline. Affected: yes.
Comment: Not observed at significant frequency in large population cohorts (gnomAD); In silico analysis indicates that this variant does not alter splicing; Has not been previously published as pathogenic or benign to our knowledge

NM_001379200.1(TBX1):c.1299C>T (p.Asp433=)

Gene: TBX1 (T-box transcription factor 1; plus strand). Cytogenetic location: 22q11.21.
Variant type: single nucleotide variant.
Coding change: c.1299C>T on transcript NM_001379200.1 (MANE Select); coding-DNA position 1299, C replaced by T.
Protein change: p.Asp433=; no amino-acid change (aspartic acid 433 retained).
Molecular consequence: synonymous variant. On other transcripts: intron variant (2).
Genome position (GRCh38, 1-based): chr22:19,766,651, C>T. VCF-style: chr22-19766651-C-T. GRCh37 (hg19) VCF-style: chr22-19754174-C-T.
Other names: c.1272C>T, p.Asp424= (NM_080647.1); c.1009+649C>T (NM_005992.1, NM_080646.2).
Identifiers: ClinVar variation 3602417 (VCV003602417.1).